The following is an entry in ClinVar:

NM_000091.5(COL4A3):c.91del (p.Cys31fs)

Genes: COL4A3 (collagen type IV alpha 3 chain; plus strand), MFF-DT (MFF divergent transcript; minus strand). Cytogenetic location: 2q36.3.
Variant type: Deletion.
Coding change: c.91del on transcript NM_000091.5 (MANE Select); coding-DNA position 91, one base deleted (T; older notation c.91delT).
Protein change: p.Cys31fs; shifts the reading frame from cysteine 31.
Molecular consequence: frameshift variant.
Genome position (GRCh38, 1-based): chr2:227,237,971, T deleted; the last of 2 consecutive T bases (chr2:227,237,970-227,237,971); deleting either gives the same sequence. VCF-style (leftmost placement, unchanged base first): chr2-227237969-GT-G. GRCh37 (hg19) VCF-style: chr2-228102685-GT-G.
Other names: c.91delT, p.Cys31Valfs (NM_000091.4); short protein forms C31fs.
Identifiers: ClinVar variation 4817280 (VCV004817280.1).

ClinVar aggregate classification (germline): Likely pathogenic (1 of 4 stars; one submission).

Conditions:
Alport syndrome. Also called: Hemorrhagic familial nephritis; Hemorrhagic hereditary nephritis; Congenital hereditary hematuria. Identifiers: Orphanet 63, MedGen C1567741, MONDO:0018965.

Submission:

Natera, Inc.
Classification: Likely pathogenic for Alport syndrome. Last evaluated: 2024-06-18. Review status: criteria provided, single submitter. Criteria: Natera Variant Classification Schema (03/2026). Collection method: clinical testing. Allele origin: germline.
Comment: The c.91del variant in COL4A3 is a frameshift variant predicted to shift the reading frame beginning at codon 31 and leads to a stop codon 62 codons downstream. This variant is expected to result in nonsense mediated decay, truncation, or a dysfunctional protein product. This variant is rare in the general population with a frequency below the threshold expected for the associated phenotype(s). Given the available evidence, this variant is classified as Likely Pathogenic.